The following is an entry in ClinVar:

ClinVar aggregate classification (germline): Conflicting classifications of pathogenicity. Review status: criteria provided, conflicting classifications (1 of 4 stars). 7 submissions from 6 submitters: Uncertain significance (1); Benign (3); Likely benign (3). Last evaluated 2026-06-24.

Conditions:
Cardiovascular phenotype. Identifiers: MedGen CN230736.
Hereditary cancer-predisposing syndrome. Also called: Hereditary neoplastic syndrome; Neoplastic Syndromes, Hereditary; Hereditary Cancer Syndrome; Tumor predisposition. Identifiers: Orphanet 140162, MedGen C0027672, MeSH D009386, MONDO:0015356.
Neurofibromatosis, type 1 (NF1). Also called: NEUROFIBROMATOSIS, TYPE I, SOMATIC; Neurofibromatosis, type I; VON RECKLINGHAUSEN DISEASE; Peripheral type neurofibromatosis. Identifiers: Orphanet 636, MedGen C0027831, MONDO:0018975, OMIM 162200. Disease mechanism: loss of function.

Submissions (7):

Myriad Genetics, Inc.
Classification: Benign for Neurofibromatosis, type 1. Last evaluated: 2026-06-24. Review status: criteria provided, single submitter. Criteria: Myriad Autosomal Dominant, Autosomal Recessive and X-Linked Classification Criteria (2023). Collection method: clinical testing. Allele origin: unknown.
Comment: This variant is considered benign. This variant is intronic and is not expected to impact mRNA splicing. This variant has been observed at a population frequency that is significantly greater than expected given the associated disease prevalence and penetrance.

Labcorp Genetics (formerly Invitae), Labcorp
Classification: Benign for Neurofibromatosis, type 1. Last evaluated: 2026-01-11. Review status: criteria provided, single submitter. Criteria: Invitae Variant Classification Sherloc (09022015). Collection method: clinical testing. Allele origin: germline.

Sema4
Classification: Uncertain significance for Hereditary cancer-predisposing syndrome. Last evaluated: 2021-07-21. Review status: criteria provided, single submitter. Criteria: Sema4 Curation Guidelines. Collection method: curation. Allele origin: germline.
Comment: The NF1 c.7127-5delT variant has not been reported in the literature to our knowledge. It was observed in 8/20756 chromosomes of the African/African American subpopulation in the large and broad cohorts of the Genome Aggregation Database. The variant has been reported in ClinVar (Variation ID 230047). Functional studies have not been performed and in silico tool predictions of the variants effect on protein function are inconclusive. The evidence is insufficient to meet ACMG/AMP criteria for classifying the variant as benign or pathogenic. Thus, the clinical significance of this variant is currently uncertain.

GeneDx
Classification: Likely benign. Last evaluated: 2020-12-09. Review status: criteria provided, single submitter. Criteria: GeneDx Variant Classification Process June 2021. Collection method: clinical testing. Allele origin: germline. Affected: yes.

Ambry Genetics
Classification: Likely benign for Cardiovascular phenotype; Hereditary cancer-predisposing syndrome. Last evaluated: 2018-09-19. Review status: criteria provided, single submitter. Criteria: Ambry Variant Classification Scheme 2023. Collection method: clinical testing. Allele origin: germline.

Ambry Genetics
Classification: Likely benign for Hereditary cancer-predisposing syndrome. Last evaluated: 2015-08-11. Review status: criteria provided, single submitter. Criteria: Ambry Autosomal Dominant and X-Linked criteria (10/2015). Collection method: clinical testing. Allele origin: germline. Observed: 1 variant allele.
Comment: In silico models in agreement (benign)

PreventionGenetics, part of Exact Sciences
Classification: Benign. Review status: criteria provided, single submitter. Criteria: ACMG Guidelines, 2015. Collection method: clinical testing. Allele origin: germline.

NM_001042492.3(NF1):c.7190-5del

Gene: NF1 (neurofibromin 1; plus strand). Cytogenetic location: 17q11.2.
Variant type: Deletion.
Coding change: c.7190-5del on transcript NM_001042492.3 (MANE Select); 5 bases into the intron before coding-DNA position 7190, one base deleted (T; older notation c.7190-5delT).
Molecular consequence: intron variant.
Genome position (GRCh38, 1-based): chr17:31,349,115, T deleted; the last of 6 consecutive T bases (chr17:31,349,110-31,349,115); deleting any one gives the same sequence. VCF-style (leftmost placement, unchanged base first): chr17-31349109-GT-G. GRCh37 (hg19) VCF-style: chr17-29676127-GT-G.
Other names: c.7190-5delT (NM_001042492.2); c.7127-5del (NM_000267.4); c.7127-5delT (NM_000267.3).
Identifiers: ClinVar variation 230047 (VCV000230047.18), dbSNP rs769290414, ClinGen allele CA8487523.